The following is an entry in ClinVar:

NM_001110556.2(FLNA):c.3780C>G (p.Cys1260Trp)

Gene: FLNA (filamin A; minus strand). Cytogenetic location: Xq28.
Variant type: single nucleotide variant.
Coding change: c.3780C>G on transcript NM_001110556.2 (MANE Select); coding-DNA position 3780, C replaced by G.
Protein change: p.Cys1260Trp; replaces cysteine 1260 with tryptophan.
Molecular consequence: missense variant.
Genome position (GRCh38, 1-based): chrX:154,360,015, G>C on the plus strand (C>G on the coding strand, the complement: FLNA is on the minus strand). VCF-style: chrX-154360015-G-C. GRCh37 (hg19) VCF-style: chrX-153588383-G-C.
Other names: c.3780C>G, p.Cys1260Trp (NM_001456.4); short protein forms C1260W.
Identifiers: ClinVar variation 2954337 (VCV002954337.3), dbSNP rs2522740281, ClinGen allele CA415222579.

ClinVar aggregate classification (germline): Uncertain significance (1 of 4 stars; one submission).

Conditions:
Heterotopia, periventricular, X-linked dominant (PVNH1). Also called: PERIVENTRICULAR NODULAR HETEROTOPIA 1; X-linked periventricular heterotopia; PERIVENTRICULAR NODULAR HETEROTOPIA 4; HETEROTOPIA, PERIVENTRICULAR, 1. Identifiers: Orphanet 2149, Orphanet 82004, MedGen C1848213, MONDO:0010233, OMIM 300049.
Melnick-Needles syndrome (MNS). Also called: Melnick-Needles Syndrome (FLNA-MNS); MELNICK-NEEDLES OSTEODYSPLASTY; OSTEODYSPLASTY OF MELNICK AND NEEDLES. Identifiers: Orphanet 2484, MedGen C0025237, MONDO:0010650, OMIM 309350.
Frontometaphyseal dysplasia (FMD1). Identifiers: Orphanet 1826, MedGen C0265293, MONDO:0015942.
Oto-palato-digital syndrome, type II (OPD2). Also called: Otopalatodigital Syndrome Type 2 (FLNA-OPD2); FACIOPALATOOSSEOUS SYNDROME; OPD II SYNDROME; Otopalatodigital Syndrome, Type II. Identifiers: Orphanet 669, Orphanet 90652, MedGen C1844696, MONDO:0010571, OMIM 304120.

Submission:

Labcorp Genetics (formerly Invitae), Labcorp
Classification: Uncertain significance for Oto-palato-digital syndrome, type II; Heterotopia, periventricular, X-linked dominant; Frontometaphyseal dysplasia; Melnick-Needles syndrome. Last evaluated: 2023-12-01. Review status: criteria provided, single submitter. Criteria: Invitae Variant Classification Sherloc (09022015). Collection method: clinical testing. Allele origin: germline.
Comment: This sequence change replaces cysteine, which is neutral and slightly polar, with tryptophan, which is neutral and slightly polar, at codon 1260 of the FLNA protein (p.Cys1260Trp). This variant is not present in population databases (gnomAD no frequency). This variant has not been reported in the literature in individuals affected with FLNA-related conditions. Advanced modeling of protein sequence and biophysical properties (such as structural, functional, and spatial information, amino acid conservation, physicochemical variation, residue mobility, and thermodynamic stability) performed at Invitae indicates that this missense variant is not expected to disrupt FLNA protein function with a negative predictive value of 95%. Algorithms developed to predict the effect of sequence changes on RNA splicing suggest that this variant may create or strengthen a splice site. In summary, the available evidence is currently insufficient to determine the role of this variant in disease. Therefore, it has been classified as a Variant of Uncertain Significance.